The following is an entry in ClinVar:

ClinVar aggregate classification (germline): Pathogenic (0 of 4 stars; one submission).

Conditions:
Granulocytopenia with immunoglobulin abnormality. Identifiers: MedGen C1856263, MONDO:0009305, OMIM 233600.

Submission:

Molecular ImmunoRheumatology UMRS_1109, Institut national de la santé et de la recherche médicale
Classification: Pathogenic for Granulocytopenia with immunoglobulin abnormality. Last evaluated: 2026-05-21. Review status: no assertion criteria provided. Collection method: research. Allele origin: biparental. Inheritance: Autosomal recessive inheritance. Affected: yes. Observed: 1 variant allele, 1 homozygote.
Comment: The variant is predicted to be deleterious by multiple in silico tools (PolyPhen: probably damaging; CADD: 16.5; GERP++_RS: 4.96; MutationTaster: disease-causing; PhastCons: 0.83). The variant is extremely rare in gnomAD v4.1, with a heterozygous allele frequency of 1.24 × 10⁻⁶, and no homozygous individuals have been reported. Functional characterization using bulk and single-cell transcriptomics, proteomics, and high-parameter immunophenotyping of patient-derived samples revealed B-cell developmental arrest, neutrophil dysfunction, and dysregulation of interferon signaling pathways.

Literature cited by the submitters: DOI 10.1016/j.jaci.2016.09.050; DOI 10.1080/08820139.2022.2072736; DOI 10.18502/ijaai.v21i3.9808.

NM_006389.5(HYOU1):c.1331C>A (p.Pro444His)

Genes: HYOU1 (hypoxia up-regulated 1; minus strand), LOC130006884 (ATAC-STARR-seq lymphoblastoid active region 5617; plus strand). Cytogenetic location: 11q23.3.
Variant type: single nucleotide variant.
Coding change: c.1331C>A on transcript NM_006389.5 (MANE Select); coding-DNA position 1331, C replaced by A.
Protein change: p.Pro444His; replaces proline 444 with histidine.
Molecular consequence: missense variant.
Genome position (GRCh38, 1-based): chr11:119,051,826, G>T on the plus strand (C>A on the coding strand, the complement: HYOU1 is on the minus strand). VCF-style: chr11-119051826-G-T. GRCh37 (hg19) VCF-style: chr11-118922538-G-T.
Other names: c.1331C>A, p.Pro444His (NM_001130991.3, NM_001411041.1); short protein forms P444H.
Identifiers: ClinVar variation 4851306 (VCV004851306.1).